The following is an entry in ClinVar:

NM_005502.4(ABCA1):c.2935C>T (p.Pro979Ser)

Gene: ABCA1 (ATP binding cassette subfamily A member 1; minus strand). Cytogenetic location: 9q31.1.
Variant type: single nucleotide variant.
Coding change: c.2935C>T on transcript NM_005502.4 (MANE Select); coding-DNA position 2935, C replaced by T.
Protein change: p.Pro979Ser; replaces proline 979 with serine.
Molecular consequence: missense variant.
Genome position (GRCh38, 1-based): chr9:104,821,400, G>A on the plus strand (C>T on the coding strand, the complement: ABCA1 is on the minus strand). VCF-style: chr9-104821400-G-A. GRCh37 (hg19) VCF-style: chr9-107583681-G-A.
Other names: short protein forms P979S.
Identifiers: ClinVar variation 3677240 (VCV003677240.2).

ClinVar aggregate classification (germline): Uncertain significance (1 of 4 stars; one submission).

gnomAD v4.1: 1 of 1,614,150 alleles (0.000062%); highest among the groups gnomAD compares: Non-Finnish European, 0.000085%; no homozygotes.

Submission:

Labcorp Genetics (formerly Invitae), Labcorp
Classification: Uncertain significance. Last evaluated: 2025-01-19. Review status: criteria provided, single submitter. Criteria: Invitae Variant Classification Sherloc (09022015). Collection method: clinical testing. Allele origin: germline.
Comment: This sequence change replaces proline, which is neutral and non-polar, with serine, which is neutral and polar, at codon 979 of the ABCA1 protein (p.Pro979Ser). This variant is not present in population databases (gnomAD no frequency). This variant has not been reported in the literature in individuals affected with ABCA1-related conditions. Invitae Evidence Modeling of protein sequence and biophysical properties (such as structural, functional, and spatial information, amino acid conservation, physicochemical variation, residue mobility, and thermodynamic stability) indicates that this missense variant is expected to disrupt ABCA1 protein function with a positive predictive value of 80%. In summary, the available evidence is currently insufficient to determine the role of this variant in disease. Therefore, it has been classified as a Variant of Uncertain Significance.